The following is an entry in ClinVar:

ClinVar aggregate classification (germline): Pathogenic. Review status: criteria provided, multiple submitters, no conflicts (2 of 4 stars). 2 submissions from 2 submitters: Pathogenic (2). Last evaluated 2025-04-27.

Conditions:
Ataxia-telangiectasia syndrome (AT). Also called: Ataxia telangiectasia (A-T); Ataxia-telangiectasia, complementation group D; Ataxia-telangiectasia, complementation group E; LOUIS-BAR SYNDROME; Cerebello-oculocutaneous telangiectasia; Immunodeficiency with ataxia telangiectasia. Identifiers: Orphanet 100, MedGen C0004135, MONDO:0008840, OMIM 208900.
Familial cancer of breast. Also called: Hereditary breast cancer; BREAST CANCER, FAMILIAL; hereditary breast carcinoma. Identifiers: Orphanet 227535, MedGen C0346153, MONDO:0016419, OMIM 114480. Disease mechanism: loss of function.

Submissions (2):

Labcorp Genetics (formerly Invitae), Labcorp
Classification: Pathogenic for Ataxia-telangiectasia syndrome. Last evaluated: 2025-04-27. Review status: criteria provided, single submitter. Criteria: Invitae Variant Classification Sherloc (09022015). Collection method: clinical testing. Allele origin: germline.
Comment: This sequence change creates a premature translational stop signal (p.Asn1739Thrfs*3) in the ATM gene. It is expected to result in an absent or disrupted protein product. Loss-of-function variants in ATM are known to be pathogenic (PMID: 23807571, 25614872). This variant is not present in population databases (gnomAD no frequency). This variant has not been reported in the literature in individuals affected with ATM-related conditions. ClinVar contains an entry for this variant (Variation ID: 3148061). For these reasons, this variant has been classified as Pathogenic.

Myriad Genetics, Inc.
Classification: Pathogenic for Familial cancer of breast. Last evaluated: 2024-01-25. Review status: criteria provided, single submitter. Criteria: Myriad Autosomal Dominant, Autosomal Recessive and X-Linked Classification Criteria (2023). Collection method: clinical testing. Allele origin: unknown.
Comment: This variant is considered pathogenic. This variant creates a frameshift predicted to result in premature protein truncation.

Literature cited by the submitters: PubMed 23807571 (cited by Labcorp Genetics (formerly Invitae), Labcorp); PubMed 25614872 (cited by Labcorp Genetics (formerly Invitae), Labcorp).

NM_000051.4(ATM):c.5216del (p.Asn1739fs)

Gene: ATM (ATM serine/threonine kinase; plus strand). Cytogenetic location: 11q22.3.
Variant type: Deletion.
Coding change: c.5216del on transcript NM_000051.4 (MANE Select); coding-DNA position 5216, one base deleted (A; older notation c.5216delA).
Protein change: p.Asn1739fs; shifts the reading frame from asparagine 1739.
Molecular consequence: frameshift variant.
Genome position (GRCh38, 1-based): chr11:108,301,686, A deleted; the last of 5 consecutive A bases (chr11:108,301,682-108,301,686); deleting any one gives the same sequence. VCF-style (leftmost placement, unchanged base first): chr11-108301681-GA-G. GRCh37 (hg19) VCF-style: chr11-108172408-GA-G.
Other names: c.5216del, p.Asn1739fs (NM_001351834.2); short protein forms N1739fs.
Identifiers: ClinVar variation 3148061 (VCV003148061.2), dbSNP rs2546973020, ClinGen allele CA2825001922.